The following is an entry in ClinVar:

ClinVar aggregate classification (germline): Conflicting classifications of pathogenicity. Review status: criteria provided, conflicting classifications (1 of 4 stars). 4 submissions from 4 submitters: Likely pathogenic (2); Uncertain significance (1). 1 of the submissions does not count toward it. Last evaluated 2026-06-25.

Conditions:
TH-deficient dopa-responsive dystonia. Also called: DYT-TH; Tyrosine Hydroxylase-Deficient Dopa-Responsive Dystonia; Segawa syndrome, autosomal recessive. Identifiers: Orphanet 101150, MedGen C2673535, MONDO:0011551, OMIM 605407.

Submissions (4):

Myriad Genetics, Inc.
Classification: Uncertain significance for TH-deficient dopa-responsive dystonia. Last evaluated: 2026-06-25. Review status: criteria provided, single submitter. Criteria: Myriad Autosomal Dominant, Autosomal Recessive and X-Linked Classification Criteria (2023). Collection method: clinical testing. Allele origin: unknown.
Comment: NM_199292.2(TH):c.405+1G>A is a variant in a canonical splice site classified as a variant of uncertain significance in the context of tyrosine hydroxylase deficiency. c.405+1G>A has not been observed in cases with relevant disease. Relevant functional assessments of this variant are not available in the literature. c.405+1G>A has not been observed in referenced population frequency databases. In summary, there is insufficient evidence to classify NM_199292.2(TH):c.405+1G>A as pathogenic or benign. Please note: this variant was assessed in the context of healthy population screening.

Labcorp Genetics (formerly Invitae), Labcorp
Classification: Likely pathogenic for TH-deficient dopa-responsive dystonia. Last evaluated: 2021-06-16. Review status: criteria provided, single submitter. Criteria: Invitae Variant Classification Sherloc (09022015). Collection method: clinical testing. Allele origin: germline.
Comment: This sequence change affects a donor splice site in intron 3 of the TH gene. It is expected to disrupt RNA splicing. Variants that disrupt the donor or acceptor splice site typically lead to a loss of protein function (PMID: 16199547), and loss-of-function variants in TH are known to be pathogenic (PMID: 22264700, 24753243). This variant is not present in population databases (ExAC no frequency). In summary, the currently available evidence indicates that the variant is pathogenic, but additional data are needed to prove that conclusively. Therefore, this variant has been classified as Likely Pathogenic. Algorithms developed to predict the effect of sequence changes on RNA splicing suggest that this variant may disrupt the consensus splice site, but this prediction has not been confirmed by published transcriptional studies. This variant has not been reported in the literature in individuals with TH-related conditions. ClinVar contains an entry for this variant (Variation ID: 555288).

Fulgent Genetics
Classification: Likely pathogenic for TH-deficient dopa-responsive dystonia. Last evaluated: 2018-10-31. Review status: criteria provided, single submitter. Criteria: ACMG Guidelines, 2015. Collection method: clinical testing. Allele origin: unknown.

Counsyl
Classification: Likely pathogenic for TH-deficient dopa-responsive dystonia. Last evaluated: 2017-11-30. Review status: no assertion criteria provided. Collection method: clinical testing. Allele origin: unknown. Not counted in ClinVar's aggregate classification.

Literature cited by the submitters: PubMed 16199547 (cited by Labcorp Genetics (formerly Invitae), Labcorp); PubMed 22264700 (cited by Labcorp Genetics (formerly Invitae), Labcorp); PubMed 24753243 (cited by Labcorp Genetics (formerly Invitae), Labcorp).

NM_000360.4(TH):c.312+1G>A

Gene: TH (tyrosine hydroxylase; minus strand). Cytogenetic location: 11p15.5.
Variant type: single nucleotide variant.
Coding change: c.312+1G>A on transcript NM_000360.4 (MANE Select); the canonical splice donor site of the intron after coding-DNA position 312, G replaced by A.
Molecular consequence: splice donor variant.
Genome position (GRCh38, 1-based): chr11:2,169,649, C>T on the plus strand (G>A on the coding strand, the complement: TH is on the minus strand). VCF-style: chr11-2169649-C-T. GRCh37 (hg19) VCF-style: chr11-2190879-C-T.
Other names: c.393+1G>A (NM_199293.3); c.405+1G>A (NM_199292.3).
Identifiers: ClinVar variation 555288 (VCV000555288.12), dbSNP rs1554923802, ClinGen allele CA379112115.
Genomic context (GRCh38, chr11:2,169,649, plus strand): 5'-AGCCCACACAGCCCCACCCACAGGTGAACTTGCCCCAGGGACACGAAGGCCACCAGCTCA[C>T]CTCAAACACCTTCACAGCTCGGGACAGCGCCGAGGGCTTGGTGGCCCTCGGGGAGAAGAG-3'